The following is an entry in ClinVar:

NM_002016.2(FLG):c.1270G>A (p.Asp424Asn)

Genes: CCDST (cervical cancer associated DHX9 suppressive transcript; plus strand), FLG (filaggrin; minus strand). Cytogenetic location: 1q21.3.
Variant type: single nucleotide variant.
Coding change: c.1270G>A on transcript NM_002016.2 (MANE Select); coding-DNA position 1270, G replaced by A.
Protein change: p.Asp424Asn; replaces aspartic acid 424 with asparagine.
Molecular consequence: missense variant. On other transcripts: non-coding transcript variant (1).
Genome position (GRCh38, 1-based): chr1:152,313,616, C>T on the plus strand (G>A on the coding strand, the complement: FLG is on the minus strand). VCF-style: chr1-152313616-C-T. GRCh37 (hg19) VCF-style: chr1-152286092-C-T.
Other names: short protein forms D424N.
Identifiers: ClinVar variation 4823610 (VCV004823610.4).

ClinVar aggregate classification (germline): Uncertain significance (1 of 4 stars; one submission).

gnomAD v4.1: 6 of 1,614,124 alleles (0.00037%); highest among the groups gnomAD compares: Non-Finnish European, 0.00042%; no homozygotes.

Submission:

CeGaT Center for Human Genetics Tuebingen
Classification: Uncertain significance. Last evaluated: 2026-03-01. Review status: criteria provided, single submitter. Criteria: CeGaT Center For Human Genetics Tuebingen Variant Classification Criteria Version 2. Collection method: clinical testing. Allele origin: germline. Affected: yes. Observed: 1 variant allele.
Comment: FLG: PM2, BP4